The following is an entry in ClinVar:

ClinVar aggregate classification (germline): Likely benign (1 of 4 stars; one submission).

Conditions:
Progressive sclerosing poliodystrophy (MTDPS4A). Also called: Alpers-Huttenlocher Syndrome (AHS); Alpers Syndrome; ALPERS PROGRESSIVE INFANTILE POLIODYSTROPHY; Mitochondrial DNA depletion syndrome 4A (Alpers type); ALPERS DIFFUSE DEGENERATION OF CEREBRAL GRAY MATTER WITH HEPATIC CIRRHOSIS; Alpers-Huttenlocher Syndrome. Identifiers: Orphanet 726, MedGen C0205710, MONDO:0008758, OMIM 203700.

Allele frequency attached by ClinVar (database versions not stated): TOPMed 0.00051; gnomAD 0.00054 and 0.00058; ESP Exome Variant Server 0.00062; ExAC 0.00078; gnomAD exomes 0.00101 and 0.00046.
gnomAD v4.1: 831 of 1,614,084 alleles (0.051%); highest among the groups gnomAD compares: Middle Eastern, 0.016%; 6 homozygotes.

Submission:

Wong Mito Lab, Molecular and Human Genetics, Baylor College of Medicine
Classification: Likely benign for Progressive sclerosing poliodystrophy. Last evaluated: 2018-10-01. Review status: criteria provided, single submitter. Criteria: ACMG Guidelines, 2015. Collection method: clinical testing. Allele origin: germline.
Comment: The NM_002693.2:c.3104+32G>A (NP_002684.1:p.=) [GRCH38: NC_000015.10:g.89319196C>T] variant in POLG gene is interpretated to be a Likely Benign based on ACMG guidelines (PMID: 25741868). This variant meets the following evidence codes reported in the ACMG-guideline. BS1:The minor allele frequency of this allele is high for Mitochondrial DNA depletion syndrome 4A (Alpers type). BP4:Computational evidence/predictors indicate no impact on the POLG structure, function, or protein-protein interaction. BP6:Reputable source(s) without shared data suggest the variant is benign. Based on the evidence criteria codes applied, the variant is suggested to be Likely Benign.

NM_002693.3(POLG):c.3104+32G>A

Gene: POLG (DNA polymerase gamma, catalytic subunit; minus strand). Cytogenetic location: 15q26.1.
Variant type: single nucleotide variant.
Coding change: c.3104+32G>A on transcript NM_002693.3 (MANE Select); 32 bases into the intron after coding-DNA position 3104, G replaced by A.
Molecular consequence: intron variant.
Genome position (GRCh38, 1-based): chr15:89,319,196, C>T on the plus strand (G>A on the coding strand, the complement: POLG is on the minus strand). VCF-style: chr15-89319196-C-T. GRCh37 (hg19) VCF-style: chr15-89862427-C-T.
Other names: c.3104+32G>A (NM_001126131.2).
Identifiers: ClinVar variation 619477 (VCV000619477.1), dbSNP rs200269242, ClinGen allele CA7724250.
Genomic context (GRCh38, chr15:89,319,196, plus strand): 5'-CAGCATCTCAAAGCTAAAAAACAAAGCATCCAAGCTCTTCTGGGGCAAGCCCAGACCCCT[C>T]CCTCCATCCTTAACACAAAGAAGGTTCTTACTTCCTTGCAGTTTCTCTCTGGACCTTGCG-3'